The following is an entry in ClinVar:

ClinVar aggregate classification (germline): Uncertain significance (1 of 4 stars; one submission).

Conditions:
Inborn genetic diseases. Identifiers: MedGen C0950123, MeSH D030342.

Submission:

Ambry Genetics
Classification: Uncertain significance for Inborn genetic diseases. Last evaluated: 2026-07-06. Review status: criteria provided, single submitter. Criteria: Ambry Variant Classification Scheme 2023. Collection method: clinical testing. Allele origin: germline.
Comment: The p.Q187E variant (also known as c.559C>G), located in coding exon 1 of the WT1 gene, results from a C to G substitution at nucleotide position 559. The glutamine at codon 187 is replaced by glutamic acid, an amino acid with highly similar properties. This amino acid position is conserved. In addition, the in silico prediction for this alteration is inconclusive. Based on the available evidence, the clinical significance of this variant remains unclear.

NM_024426.6(WT1):c.574C>G (p.Gln192Glu)

Genes: WT1 (WT1 transcription factor; minus strand), LOC107982234 (WT1/WT1-AS bi-directional promoter region; plus strand). Cytogenetic location: 11p13.
Variant type: single nucleotide variant.
Coding change: c.574C>G on transcript NM_024426.6 (MANE Select); coding-DNA position 574, C replaced by G.
Protein change: p.Gln192Glu; replaces glutamine 192 with glutamic acid.
Molecular consequence: missense variant. On other transcripts: non-coding transcript variant (2).
Genome position (GRCh38, 1-based): chr11:32,434,787, G>C on the plus strand (C>G on the coding strand, the complement: WT1 is on the minus strand). VCF-style: chr11-32434787-G-C. GRCh37 (hg19) VCF-style: chr11-32456333-G-C.
Other names: c.574C>G, p.Gln192Glu (NM_000378.6, NM_001407044.1, NM_001407045.1 and 6 more transcripts); c.355C>G, p.Gln119Glu (NM_001429031.1, NM_001429032.1, NM_001429033.1 and 1 more transcripts); short protein forms Q119E, Q187E, Q192E.
Identifiers: ClinVar variation 5032027 (VCV005032027.1).